The following is an entry in ClinVar:

ClinVar aggregate classification (germline): Uncertain significance (1 of 4 stars; one submission).

Allele frequency attached by ClinVar (database versions not stated): TOPMed 0.00002; gnomAD 0.00005; ESP Exome Variant Server 0.00015; 1000 Genomes Project 30x 0.00031; 1000 Genomes Project 0.00040.
gnomAD v4.1: 44 of 1,614,150 alleles (0.0027%); highest among the groups gnomAD compares: East Asian, 0.08%; no homozygotes.

Submission:

Women's Health and Genetics/Laboratory Corporation of America, LabCorp
Classification: Uncertain significance. Last evaluated: 2022-10-13. Review status: criteria provided, single submitter. Criteria: LabCorp Variant Classification Summary - May 2015. Collection method: clinical testing. Allele origin: germline.
Comment: Variant summary: GALE c.118C>T (p.Arg40Cys) results in a non-conservative amino acid change located in the NAD(P)-binding domain (IPR016040) of the encoded protein sequence. Five of five in-silico tools predict a damaging effect of the variant on protein function. The variant allele was found at a frequency of 1.6e-05 in 251472 control chromosomes. c.118C>T has been reported in the literature in a compound heterozygous individual with severe GALE deficiency but no obvious clinical symptoms, identified through neonatal screening (Park_2005). These data do not allow any conclusion about variant significance. At least one publication reports experimental evidence evaluating an impact on protein function. The most pronounced variant effect results in 30%-50% of normal activity (Bang_2009). No clinical diagnostic laboratories have submitted clinical-significance assessments for this variant to ClinVar after 2014. Based on the evidence outlined above, the variant was classified as VUS-possibly pathogenic.

Literature cited by the submitters: PubMed 19250319; PubMed 16301867.

NM_001008216.2(GALE):c.118C>T (p.Arg40Cys)

Gene: GALE (UDP-galactose-4-epimerase; minus strand). Cytogenetic location: 1p36.11.
Variant type: single nucleotide variant.
Coding change: c.118C>T on transcript NM_001008216.2 (MANE Select); coding-DNA position 118, C replaced by T.
Protein change: p.Arg40Cys; replaces arginine 40 with cysteine.
Molecular consequence: missense variant.
Genome position (GRCh38, 1-based): chr1:23,798,890, G>A on the plus strand (C>T on the coding strand, the complement: GALE is on the minus strand). VCF-style: chr1-23798890-G-A. GRCh37 (hg19) VCF-style: chr1-24125380-G-A.
Other names: c.118C>T, p.Arg40Cys (NM_000403.4, NM_001127621.2); short protein forms R40C.
Identifiers: ClinVar variation 1723307 (VCV001723307.2), dbSNP rs144492228, ClinGen allele CA685802.
Genomic context (GRCh38, chr1:23,798,890, plus strand): 5'-CCAGGGTTTTGCTTCTGCCATCCCCTCAAGTAGCCCCAGCCCCACTGCCCCGCTCACCAC[G>A]GAAGGCATTATGGAAGTTATCGATGACCACAGGCAAGTAGCCAGCCTCCAGCAGCTCCAG-3'
Protein context (NP_001008217.1, residues 30-50): VVIDNFHNAF[Arg40Cys]GGGSLPESLR